The following is an entry in ClinVar:

NM_024312.5(GNPTAB):c.1600G>A (p.Asp534Asn)

Gene: GNPTAB (N-acetylglucosamine-1-phosphate transferase subunits alpha and beta; minus strand). Cytogenetic location: 12q23.2.
Variant type: single nucleotide variant.
Coding change: c.1600G>A on transcript NM_024312.5 (MANE Select); coding-DNA position 1600, G replaced by A.
Protein change: p.Asp534Asn; replaces aspartic acid 534 with asparagine.
Molecular consequence: missense variant.
Genome position (GRCh38, 1-based): chr12:101,766,103, C>T on the plus strand (G>A on the coding strand, the complement: GNPTAB is on the minus strand). VCF-style: chr12-101766103-C-T. GRCh37 (hg19) VCF-style: chr12-102159881-C-T.
Other names: short protein forms D534N.
Identifiers: ClinVar variation 397560 (VCV000397560.7), dbSNP rs750240374, ClinGen allele CA6746584.

ClinVar aggregate classification (germline): Likely pathogenic. Review status: criteria provided, multiple submitters, no conflicts (2 of 4 stars). 2 submissions from 2 submitters: Likely pathogenic (2). Last evaluated 2023-05-22.

Conditions:
Mucolipidosis type II. Also called: ML II ALPHA/BETA; Mucolipidosis 2; ML 2; Inclusion cell disease; Leroy Disease; N-acetylglucosamine 1phosphotransferase deficiency. Identifiers: Orphanet 576, MedGen C2673377, MONDO:0009650, OMIM 252500.
Pseudo-Hurler polydystrophy. Also called: ML III; ML III ALPHA/BETA; Mucolipidosis III Alpha/Beta; Type III Mucolipidosis; ML IIIA; MUCOLIPIDOSIS IIIA. Identifiers: Orphanet 423461, Orphanet 577, MedGen C0033788, MONDO:0018931, OMIM 252600.

Allele frequency attached by ClinVar (database versions not stated): gnomAD exomes 0.00001 and below 0.00001; gnomAD 0.00001; ExAC 0.00002.
gnomAD v4.1: 3 of 1,613,822 alleles (0.00019%); highest among the groups gnomAD compares: African/African-American, 0.0013%; no homozygotes.

Submissions (2):

Labcorp Genetics (formerly Invitae), Labcorp
Classification: Likely pathogenic for Pseudo-Hurler polydystrophy; Mucolipidosis type II. Last evaluated: 2023-05-22. Review status: criteria provided, single submitter. Criteria: Invitae Variant Classification Sherloc (09022015). Collection method: clinical testing. Allele origin: germline.
Comment: In summary, the currently available evidence indicates that the variant is pathogenic, but additional data are needed to prove that conclusively. Therefore, this variant has been classified as Likely Pathogenic. Advanced modeling of protein sequence and biophysical properties (such as structural, functional, and spatial information, amino acid conservation, physicochemical variation, residue mobility, and thermodynamic stability) performed at Invitae indicates that this missense variant is expected to disrupt GNPTAB protein function. ClinVar contains an entry for this variant (Variation ID: 397560). This missense change has been observed in individuals with mucolipidosis II alpha/beta (PMID: 29872134, 32651481). This variant is present in population databases (rs750240374, gnomAD 0.003%). This sequence change replaces aspartic acid, which is acidic and polar, with asparagine, which is neutral and polar, at codon 534 of the GNPTAB protein (p.Asp534Asn).

Diagnostics Division, CENTRE FOR DNA FINGERPRINTING AND DIAGNOSTICS
Classification: Likely pathogenic for Mucolipidosis type II; Pseudo-Hurler polydystrophy. Last evaluated: 2016-01-01. Review status: criteria provided, single submitter. Criteria: ACMG Guidelines, 2015. Collection method: research. Allele origin: unknown. Affected: yes. Observed: 1 compound heterozygote.
Comment: Missense variant

Literature cited by the submitters: PubMed 29872134 (cited by Labcorp Genetics (formerly Invitae), Labcorp); PubMed 32651481 (cited by Labcorp Genetics (formerly Invitae), Labcorp).